The following is an entry in ClinVar:

ClinVar aggregate classification (germline): Uncertain significance. Review status: criteria provided, multiple submitters, no conflicts (2 of 4 stars). 2 submissions from 2 submitters: Uncertain significance (2). Last evaluated 2026-04-14.

Conditions:
Inborn genetic diseases. Identifiers: MedGen C0950123, MeSH D030342.

Allele frequency attached by ClinVar (database versions not stated): gnomAD 0.00001; TOPMed 0.00002.
gnomAD v4.1: 26 of 1,613,956 alleles (0.0016%); highest among the groups gnomAD compares: Admixed American, 0.0033%; no homozygotes.

Submissions (2):

Ambry Genetics
Classification: Uncertain significance for Inborn genetic diseases. Last evaluated: 2026-04-14. Review status: criteria provided, single submitter. Criteria: Ambry Variant Classification Scheme 2023. Collection method: clinical testing. Allele origin: germline.

Labcorp Genetics (formerly Invitae), Labcorp
Classification: Uncertain significance. Last evaluated: 2024-12-12. Review status: criteria provided, single submitter. Criteria: Invitae Variant Classification Sherloc (09022015). Collection method: clinical testing. Allele origin: germline.
Comment: This sequence change replaces arginine, which is basic and polar, with tryptophan, which is neutral and slightly polar, at codon 828 of the TRIM37 protein (p.Arg828Trp). This variant is present in population databases (no rsID available, gnomAD 0.007%). This variant has not been reported in the literature in individuals affected with TRIM37-related conditions. ClinVar contains an entry for this variant (Variation ID: 2557220). Invitae Evidence Modeling of protein sequence and biophysical properties (such as structural, functional, and spatial information, amino acid conservation, physicochemical variation, residue mobility, and thermodynamic stability) indicates that this missense variant is not expected to disrupt TRIM37 protein function with a negative predictive value of 80%. In summary, the available evidence is currently insufficient to determine the role of this variant in disease. Therefore, it has been classified as a Variant of Uncertain Significance.

NM_015294.6(TRIM37):c.2482C>T (p.Arg828Trp)

Gene: TRIM37 (tripartite motif containing 37; minus strand). Cytogenetic location: 17q22.
Variant type: single nucleotide variant.
Coding change: c.2482C>T on transcript NM_015294.6 (MANE Select); coding-DNA position 2482, C replaced by T.
Protein change: p.Arg828Trp; replaces arginine 828 with tryptophan.
Molecular consequence: missense variant. On other transcripts: non-coding transcript variant (2).
Genome position (GRCh38, 1-based): chr17:59,015,704, G>A on the plus strand (C>T on the coding strand, the complement: TRIM37 is on the minus strand). VCF-style: chr17-59015704-G-A. GRCh37 (hg19) VCF-style: chr17-57093065-G-A.
Other names: c.2482C>T, p.Arg828Trp (NM_001005207.5, NM_001320988.3, NM_001320989.3 and 1 more transcripts); c.2380C>T, p.Arg794Trp (NM_001320987.3, NM_001353082.2); c.2116C>T, p.Arg706Trp (NM_001320990.3); c.1747C>T, p.Arg583Trp (NM_001353083.2); c.2020C>T, p.Arg674Trp (NM_001353085.2); c.2431C>T, p.Arg811Trp (NM_001353086.2); short protein forms R674W, R706W, R794W, R811W, R828W, R583W.
Identifiers: ClinVar variation 2557220 (VCV002557220.4), dbSNP rs760669957, ClinGen allele CA400390205.